The following is an entry in ClinVar:

ClinVar aggregate classification (germline): Likely pathogenic (1 of 4 stars; one submission).

Conditions:
Dilated cardiomyopathy 1G (CMD1G). Identifiers: Orphanet 154, MedGen C1858763, MONDO:0011400, OMIM 604145.
Autosomal recessive limb-girdle muscular dystrophy type 2J (LGMDR10). Also called: Limb-girdle muscular dystrophy, type 2J; MUSCULAR DYSTROPHY, LIMB-GIRDLE, AUTOSOMAL RECESSIVE 10. Identifiers: Orphanet 140922, MedGen C1837342, MONDO:0012127, OMIM 608807.

Submission:

Labcorp Genetics (formerly Invitae), Labcorp
Classification: Likely pathogenic for Dilated cardiomyopathy 1G; Autosomal recessive limb-girdle muscular dystrophy type 2J. Last evaluated: 2024-12-12. Review status: criteria provided, single submitter. Criteria: Invitae Variant Classification Sherloc (09022015). Collection method: clinical testing. Allele origin: germline.
Comment: This variant results in the deletion of part of exon 222 (c.40760_40787-52del) of the TTN gene. While this is not anticipated to result in nonsense mediated decay, it is expected to create a truncated TTN protein. This variant is not present in population databases (gnomAD no frequency). This variant has not been reported in the literature in individuals affected with TTN-related conditions. ClinVar contains an entry for this variant (Variation ID: 404648). This variant is located in the I band of TTN (PMID: 25589632). Truncating variants in this region have been reported in individuals affected with autosomal recessive centronuclear myopathy (PMID: 23975875, internal data). Truncating variants in this region have also been identified in individuals affected with autosomal dominant dilated cardiomyopathy and/or cardio-related conditions (PMID: 27869827, 32964742, internal data). In summary, the currently available evidence indicates that the variant is pathogenic, but additional data are needed to prove that conclusively. Therefore, this variant has been classified as Likely Pathogenic.

Literature cited by the submitters: PubMed 25589632; PubMed 23975875; PubMed 27869827; PubMed 32964742.

NM_001267550.2(TTN):c.40760_40787-52del

Gene: TTN (titin; minus strand). Cytogenetic location: 2q31.2.
Variant type: Deletion.
Coding change: c.40760_40787-52del on transcript NM_001267550.2 (MANE Select); coding-DNA position 40760 through 52 bases into the intron before coding-DNA position 40787, 235 bases deleted.
Molecular consequence: splice donor variant.
Genome position (GRCh38, 1-based): chr2:178,639,840-178,640,074, 235 bases deleted. GRCh37 (hg19): chr2:179,504,567-179,504,801.
Other names: c.13565_13592-52del (NM_003319.4); c.14141_14168-52del (NM_133437.4); c.13940_13967-52del (NM_133432.3); c.33056_33083-52del (NM_133378.4); c.35837_35864-52del (NM_001256850.1).
Identifiers: ClinVar variation 404648 (VCV000404648.9), dbSNP rs1553752889, ClinGen allele CA16610395.